The following is an entry in ClinVar:

ClinVar aggregate classification (germline): Likely benign. Review status: criteria provided, multiple submitters, no conflicts (2 of 4 stars). 3 submissions from 3 submitters: Likely benign (3). Last evaluated 2026-05-12.

Conditions:
Cardiovascular phenotype. Identifiers: MedGen CN230736.
Duchenne muscular dystrophy (DMD). Also called: Duchenne Muscular Dystrophy (DMD); MUSCULAR DYSTROPHY, PSEUDOHYPERTROPHIC PROGRESSIVE, DUCHENNE TYPE. Identifiers: Orphanet 98896, MedGen C0013264, MONDO:0010679, OMIM 310200.

Allele frequency attached by ClinVar (database versions not stated): gnomAD exomes 0.00002; TOPMed 0.00002.
gnomAD v4.1: 15 of 1,207,770 alleles (0.0012%); highest among the groups gnomAD compares: Admixed American, 0.0044%; no homozygotes.

Submissions (3):

Ambry Genetics
Classification: Likely benign for Cardiovascular phenotype. Last evaluated: 2026-05-12. Review status: criteria provided, single submitter. Criteria: Ambry Variant Classification Scheme 2023. Collection method: clinical testing. Allele origin: germline.

Labcorp Genetics (formerly Invitae), Labcorp
Classification: Likely benign for Duchenne muscular dystrophy. Last evaluated: 2025-12-09. Review status: criteria provided, single submitter. Criteria: Invitae Variant Classification Sherloc (09022015). Collection method: clinical testing. Allele origin: germline.

GeneDx
Classification: Likely benign. Last evaluated: 2021-05-11. Review status: criteria provided, single submitter. Criteria: GeneDx Variant Classification Process June 2021. Collection method: clinical testing. Allele origin: germline. Affected: yes.
Comment: In silico analysis supports that this missense variant has a deleterious effect on protein structure/function; Has not been previously published as pathogenic or benign to our knowledge

NM_004006.3(DMD):c.8240C>G (p.Ala2747Gly)

Gene: DMD (dystrophin; minus strand). Cytogenetic location: Xp21.1.
Variant type: single nucleotide variant.
Coding change: c.8240C>G on transcript NM_004006.3 (MANE Select); coding-DNA position 8240, C replaced by G.
Protein change: p.Ala2747Gly; replaces alanine 2747 with glycine.
Molecular consequence: missense variant.
Genome position (GRCh38, 1-based): chrX:31,507,431, G>C on the plus strand (C>G on the coding strand, the complement: DMD is on the minus strand). VCF-style: chrX-31507431-G-C. GRCh37 (hg19) VCF-style: chrX-31525548-G-C.
Other names: c.8216C>G, p.Ala2739Gly (NM_000109.4); c.8228C>G, p.Ala2743Gly (NM_004009.3); c.7871C>G, p.Ala2624Gly (NM_004010.3); c.4217C>G, p.Ala1406Gly (NM_004011.4); c.4208C>G, p.Ala1403Gly (NM_004012.4); c.860C>G, p.Ala287Gly (NM_004013.3, NM_004020.4, NM_004021.3 and 2 more transcripts); c.53C>G, p.Ala18Gly (NM_004014.3); short protein forms A1403G, A1406G, A18G, A2624G, A2739G, A2743G, A2747G, A287G.
Identifiers: ClinVar variation 1092891 (VCV001092891.11), dbSNP rs745873218, ClinGen allele CA10378102.